The following is an entry in ClinVar:

NM_002519.3(NPAT):c.4048A>C (p.Thr1350Pro)

Gene: NPAT (nuclear protein, coactivator of histone transcription; minus strand). Cytogenetic location: 11q22.3.
Variant type: single nucleotide variant.
Coding change: c.4048A>C on transcript NM_002519.3 (MANE Select); coding-DNA position 4048, A replaced by C.
Protein change: p.Thr1350Pro; replaces threonine 1350 with proline.
Molecular consequence: missense variant.
Genome position (GRCh38, 1-based): chr11:108,161,038, T>G on the plus strand (A>C on the coding strand, the complement: NPAT is on the minus strand). VCF-style: chr11-108161038-T-G. GRCh37 (hg19) VCF-style: chr11-108031765-T-G.
Other names: c.4069A>C, p.Thr1357Pro (NM_001321307.1); short protein forms T1350P, T1357P.
Identifiers: ClinVar variation 2453776 (VCV002453776.2), dbSNP rs754964526, ClinGen allele CA382509485.

ClinVar aggregate classification (germline): Uncertain significance (1 of 4 stars; one submission).

Submission:

Ambry Genetics
Classification: Uncertain significance. Last evaluated: 2023-01-16. Review status: criteria provided, single submitter. Criteria: Ambry Variant Classification Scheme 2023. Collection method: clinical testing. Allele origin: germline.
Comment: The p.T1350P variant (also known as c.4048A>C), located in coding exon 17 of the NPAT gene, results from an A to C substitution at nucleotide position 4048. The threonine at codon 1350 is replaced by proline, an amino acid with highly similar properties. This amino acid position is conserved. In addition, this alteration is predicted to be tolerated by in silico analysis. Since supporting evidence is limited at this time, the clinical significance of this alteration remains unclear.